The following is an entry in ClinVar:

ClinVar aggregate classification (germline): Uncertain significance. Review status: criteria provided, multiple submitters, no conflicts (2 of 4 stars). 3 submissions from 3 submitters: Uncertain significance (3). Last evaluated 2025-12-19.

Conditions:
Thrombocytopenia 2 (THC2). Also called: ANKRD26-Related Thrombocytopenia. Identifiers: Orphanet 268322, MedGen C1861185, MONDO:0008555, OMIM 188000.

Allele frequency attached by ClinVar (database versions not stated): gnomAD 0.00004; gnomAD exomes 0.00004; TOPMed 0.00005; ExAC 0.00006; ESP Exome Variant Server 0.00008.
gnomAD v4.1: 57 of 1,610,580 alleles (0.0035%); highest among the groups gnomAD compares: Middle Eastern, 0.016%; no homozygotes.

Submissions (3):

Labcorp Genetics (formerly Invitae), Labcorp
Classification: Uncertain significance. Last evaluated: 2025-12-19. Review status: criteria provided, single submitter. Criteria: Invitae Variant Classification Sherloc (09022015). Collection method: clinical testing. Allele origin: germline.
Comment: This sequence change falls in intron 31 of the ANKRD26 gene. It does not directly change the encoded amino acid sequence of the ANKRD26 protein. This variant is present in population databases (rs369868995, gnomAD 0.008%). This variant has not been reported in the literature in individuals affected with ANKRD26-related conditions. ClinVar contains an entry for this variant (Variation ID: 2167235). Algorithms developed to predict the effect of sequence changes on RNA splicing suggest that this variant may disrupt the consensus splice site. In summary, the available evidence is currently insufficient to determine the role of this variant in disease. Therefore, it has been classified as a Variant of Uncertain Significance.

GeneDx
Classification: Uncertain significance. Last evaluated: 2023-07-07. Review status: criteria provided, single submitter. Criteria: GeneDx Variant Classification Process June 2021. Collection method: clinical testing. Allele origin: germline.
Comment: In silico analysis supports a deleterious effect on splicing; Has not been previously published as pathogenic or benign to our knowledge

St. Jude Molecular Pathology, St. Jude Children's Research Hospital
Classification: Uncertain significance for Thrombocytopenia 2. Last evaluated: 2023-02-23. Review status: criteria provided, single submitter. Criteria: St. Jude Assertion Criteria 2020. Collection method: clinical testing. Allele origin: germline.
Comment: The ANKRD26 c.4725-10A>G intronic change results from a A to G substitution at the +10 position of intron 31 of the ANKRD26 gene. This variant is predicted to affect the native splice acceptor site, and internal RNA data cannot conclusively determine the impact of this variant based on a low number of mutant reads (internal data). This variant has a maximum subpopulation frequency of 0.0065% in gnomAD v2.1.1. To our knowledge, this variant has not been reported in individuals with ANKRD26-related thrombocytopenia. In summary, the evidence currently available is insufficient to determine the clinical significance of this variant. It has therefore been classified as of uncertain significance.

NM_014915.3(ANKRD26):c.4725-10A>G

Gene: ANKRD26 (ankyrin repeat domain 26; minus strand). Cytogenetic location: 10p12.1.
Variant type: single nucleotide variant.
Coding change: c.4725-10A>G on transcript NM_014915.3 (MANE Select); 10 bases into the intron before coding-DNA position 4725, A replaced by G.
Molecular consequence: intron variant.
Genome position (GRCh38, 1-based): chr10:27,013,120, T>C on the plus strand (A>G on the coding strand, the complement: ANKRD26 is on the minus strand). VCF-style: chr10-27013120-T-C. GRCh37 (hg19) VCF-style: chr10-27302049-T-C.
Other names: c.4725-10A>G (NM_014915.2); c.4722-10A>G (NM_001256053.2).
Identifiers: ClinVar variation 2167235 (VCV002167235.7), dbSNP rs369868995, ClinGen allele CA5447727.